The following is an entry in ClinVar:

ClinVar aggregate classification (germline): Likely benign. Review status: criteria provided, multiple submitters, no conflicts (2 of 4 stars). 3 submissions from 3 submitters: Likely benign (2). 1 of the submissions does not count toward it. Last evaluated 2025-04-17.

Conditions:
Classic homocystinuria. Also called: HOMOCYSTINURIA WITH OR WITHOUT RESPONSE TO PYRIDOXINE; Homocystinuria due to Cystathionine Beta-Synthase Deficiency; Homocystinuria due to CBS deficiency; Cystathionine beta-synthase deficiency; CBS deficiency. Identifiers: Orphanet 394, MedGen C0751202, MONDO:0009352, OMIM 236200.
HYPERHOMOCYSTEINEMIA, THROMBOTIC, CBS-RELATED. Identifiers: MedGen C3150344, OMIM 236200.

Allele frequency attached by ClinVar (database versions not stated): gnomAD exomes 0.00005; ExAC 0.00007; 1000 Genomes Project 0.00020.

Submissions (3):

Labcorp Genetics (formerly Invitae), Labcorp
Classification: Likely benign for HYPERHOMOCYSTEINEMIA, THROMBOTIC, CBS-RELATED. Last evaluated: 2025-04-17. Review status: criteria provided, single submitter. Criteria: Invitae Variant Classification Sherloc (09022015). Collection method: clinical testing. Allele origin: germline.

GeneDx
Classification: Likely benign. Last evaluated: 2018-04-30. Review status: criteria provided, single submitter. Criteria: GeneDx Variant Classification (06012015). Collection method: clinical testing. Allele origin: germline. Affected: yes.
Comment: This variant is considered likely benign or benign based on one or more of the following criteria: it is a conservative change, it occurs at a poorly conserved position in the protein, it is predicted to be benign by multiple in silico algorithms, and/or has population frequency not consistent with disease.

Natera, Inc.
Classification: Likely benign for Homocystinuria due to cystathionine beta-synthase deficiency. Last evaluated: 2020-02-28. Review status: no assertion criteria provided. Collection method: clinical testing. Allele origin: germline. Not counted in ClinVar's aggregate classification.

NM_000071.3(CBS):c.1074G>A (p.Val358=)

Gene: CBS (cystathionine beta-synthase; minus strand). Cytogenetic location: 21q22.3.
Variant type: single nucleotide variant.
Coding change: c.1074G>A on transcript NM_000071.3 (MANE Select); coding-DNA position 1074, G replaced by A.
Protein change: p.Val358=; no amino-acid change (valine 358 retained).
Molecular consequence: synonymous variant.
Genome position (GRCh38, 1-based): chr21:43,060,512, C>T on the plus strand (G>A on the coding strand, the complement: CBS is on the minus strand). VCF-style: chr21-43060512-C-T. GRCh37 (hg19) VCF-style: chr21-44480622-C-T.
Other names: c.1074G>A, p.Val358= (NM_001178008.3, NM_001178009.3, NM_001320298.2); c.759G>A, p.Val253= (NM_001321072.1).
Identifiers: ClinVar variation 682473 (VCV000682473.15), dbSNP rs570135008, ClinGen allele CA321689782.
Genomic context (GRCh38, chr21:43,060,512, plus strand): 5'-CACTGAGTCGGGCAGAATGACCACGCAGCGCTGGCCCTCCTGCAGCTCCTGCGCGGCCTT[C>T]ACGGCCACCGCCACCGTGCTGCCAGCACTGCCACCTGCAGAGAGGGCCACGAGTCAGACG-3'
Protein context (NP_000062.1, residues 348-368): GSAGSTVAVA[Val358=]KAAQELQEGQ